The following is an entry in ClinVar:

ClinVar aggregate classification (germline): Uncertain significance (1 of 4 stars; one submission).

Conditions:
Cataract 33. Also called: CATARACT 33, CORTICAL. Identifiers: Orphanet 91492, MedGen C3808107, MONDO:0012665, OMIM 611391.

Allele frequency attached by ClinVar (database versions not stated): gnomAD exomes 0.00002; gnomAD 0.00001; ExAC 0.00001; TOPMed 0.00005.
gnomAD v4.1: 7 of 1,614,068 alleles (0.00043%); highest among the groups gnomAD compares: Admixed American, 0.0083%; no homozygotes.

Submission:

Labcorp Genetics (formerly Invitae), Labcorp
Classification: Uncertain significance for Cataract 33. Last evaluated: 2017-08-03. Review status: criteria provided, single submitter. Criteria: Invitae Variant Classification Sherloc (09022015). Collection method: clinical testing. Allele origin: germline.
Comment: In summary, the available evidence is currently insufficient to determine the role of this variant in disease. Therefore, it has been classified as a Variant of Uncertain Significance. Algorithms developed to predict the effect of missense changes on protein structure and function (SIFT, PolyPhen-2, Align-GVGD) all suggest that this variant is likely to be tolerated, but these predictions have not been confirmed by published functional studies and their clinical significance is uncertain. This variant has not been reported in the literature in individuals with BFSP1-related disease. This variant is present in population databases (rs780229198, ExAC 0.009%). This sequence change replaces glutamic acid with glutamine at codon 468 of the BFSP1 protein (p.Glu468Gln). The glutamic acid residue is weakly conserved and there is a small physicochemical difference between glutamic acid and glutamine.

NM_001195.5(BFSP1):c.1402G>C (p.Glu468Gln)

Gene: BFSP1 (beaded filament structural protein 1; minus strand). Cytogenetic location: 20p12.1.
Variant type: single nucleotide variant.
Coding change: c.1402G>C on transcript NM_001195.5 (MANE Select); coding-DNA position 1402, G replaced by C.
Protein change: p.Glu468Gln; replaces glutamic acid 468 with glutamine.
Molecular consequence: missense variant.
Genome position (GRCh38, 1-based): chr20:17,494,670, C>G on the plus strand (G>C on the coding strand, the complement: BFSP1 is on the minus strand). VCF-style: chr20-17494670-C-G. GRCh37 (hg19) VCF-style: chr20-17475315-C-G.
Other names: c.1027G>C, p.Glu343Gln (NM_001161705.2); c.985G>C, p.Glu329Gln (NM_001278606.2, NM_001278608.2); c.1069G>C, p.Glu357Gln (NM_001278607.2); short protein forms E468Q, E357Q, E329Q, E343Q.
Identifiers: ClinVar variation 541140 (VCV000541140.9), dbSNP rs780229198, ClinGen allele CA9772070.